The following is an entry in ClinVar:

NM_052947.4(ALPK2):c.1617G>C (p.Gln539His)

Gene: ALPK2 (alpha kinase 2; minus strand). Cytogenetic location: 18q21.31.
Variant type: single nucleotide variant.
Coding change: c.1617G>C on transcript NM_052947.4 (MANE Select); coding-DNA position 1617, G replaced by C.
Protein change: p.Gln539His; replaces glutamine 539 with histidine.
Molecular consequence: missense variant.
Genome position (GRCh38, 1-based): chr18:58,579,159, C>G on the plus strand (G>C on the coding strand, the complement: ALPK2 is on the minus strand). VCF-style: chr18-58579159-C-G. GRCh37 (hg19) VCF-style: chr18-56246391-C-G.
Other names: short protein forms Q539H.
Identifiers: ClinVar variation 1776515 (VCV001776515.2), dbSNP rs2051940171, ClinGen allele CA402561526.

ClinVar aggregate classification (germline): Uncertain significance (1 of 4 stars; one submission).

Submission:

Ambry Genetics
Classification: Uncertain significance. Last evaluated: 2022-02-13. Review status: criteria provided, single submitter. Criteria: Ambry Variant Classification Scheme 2023. Collection method: clinical testing. Allele origin: germline.
Comment: The p.Q539H variant (also known as c.1617G>C), located in coding exon 3 of the ALPK2 gene, results from a G to C substitution at nucleotide position 1617. The glutamine at codon 539 is replaced by histidine, an amino acid with highly similar properties. This amino acid position is conserved. In addition, this alteration is predicted to be tolerated by in silico analysis. Since supporting evidence is limited at this time, the clinical significance of this alteration remains unclear.